The following is an entry in ClinVar:

NM_006346.4(PIBF1):c.2273A>G (p.Ter758Trp)

Gene: PIBF1 (progesterone immunomodulatory binding factor 1; plus strand). Cytogenetic location: 13q22.1.
Variant type: single nucleotide variant.
Coding change: c.2273A>G on transcript NM_006346.4 (MANE Select); coding-DNA position 2273, A replaced by G.
Protein change: p.Ter758Trp.
Molecular consequence: stop lost. On other transcripts: non-coding transcript variant (2).
Genome position (GRCh38, 1-based): chr13:73,015,918, A>G. VCF-style: chr13-73015918-A-G. GRCh37 (hg19) VCF-style: chr13-73590056-A-G.
Other names: c.2360A>G, p.Ter787Trp (NM_001349655.2).
Identifiers: ClinVar variation 1683875 (VCV001683875.2), dbSNP rs779091952, ClinGen allele CA7002584.
Genomic context (GRCh38, chr13:73,015,918, plus strand): 5'-TTTTTAAACAGACTAAAAAAGAAGCACCTGAGTGGTCTAAGAAACAAAAGATGAAGACCT[A>G]GTGTTTTGGATGGGAAGCACCTGTAGACCATTATATACTCCTGAAGTTCTTTTTCTGATG-3'

ClinVar aggregate classification (germline): Uncertain significance (1 of 4 stars; one submission).

Allele frequency attached by ClinVar (database versions not stated): gnomAD exomes below 0.00001; ExAC 0.00001; gnomAD 0.00001; TOPMed 0.00001.
gnomAD v4.1: 4 of 1,583,882 alleles (0.00025%); highest among the groups gnomAD compares: Non-Finnish European, 0.00034%; no homozygotes.

Submission:

GeneDx
Classification: Uncertain significance. Last evaluated: 2021-10-28. Review status: criteria provided, single submitter. Criteria: GeneDx Variant Classification Process June 2021. Collection method: clinical testing. Allele origin: germline. Affected: yes.
Comment: Normal stop codon changed to a Trp codon, leading to the addition of 19 amino acids at the C-terminus; Has not been previously published as pathogenic or benign to our knowledge